The following is an entry in ClinVar:

NM_013975.4(LIG3):c.1780_1783del (p.Val594fs)

Gene: LIG3 (DNA ligase 3; plus strand). Cytogenetic location: 17q12.
Variant type: Microsatellite.
Coding change: c.1780_1783del on transcript NM_013975.4 (MANE Select); coding-DNA positions 1780 to 1783, 4 bases deleted (GTTT; older notation c.1780_1783delGTTT).
Protein change: p.Val594fs; shifts the reading frame from valine 594.
Molecular consequence: frameshift variant.
Genome position (GRCh38, 1-based): chr17:34,996,610-34,996,613, GTTT deleted; deleting any 4 consecutive bases within chr17:34,996,605-34,996,613 gives the same sequence; the c. name uses the placement nearest the transcript's 3' end. VCF-style (leftmost placement, unchanged base first): chr17-34996604-CTGTT-C. GRCh37 (hg19) VCF-style: chr17-33323623-CTGTT-C.
Other names: c.1780_1783del, p.Val594fs (NM_002311.5); short protein forms V594fs.
Identifiers: ClinVar variation 4983235 (VCV004983235.1).

ClinVar aggregate classification (germline): Likely pathogenic (1 of 4 stars; one submission).

Conditions:
LIG3-related disorder. Also called: LIG3-related condition.

Submission:

PreventionGenetics, part of Exact Sciences
Classification: Likely pathogenic for LIG3-related condition. Last evaluated: 2025-11-25. Review status: criteria provided, single submitter. Criteria: ACMG Guidelines, 2015. Collection method: clinical testing. Allele origin: germline.
Comment: The LIG3 c.1780_1783delGTTT variant is predicted to result in a frameshift and premature protein termination (p.Val594Leufs*11). To our knowledge, this variant has not been reported in the literature or in a large population database (gnomAD), indicating this variant is rare. Frameshift variants in LIG3 are expected to be pathogenic. This variant is interpreted as likely pathogenic.